The following is an entry in ClinVar:

NM_020347.4(LZTFL1):c.425A>G (p.Asn142Ser)

Gene: LZTFL1 (leucine zipper transcription factor like 1; minus strand). Cytogenetic location: 3p21.31.
Variant type: single nucleotide variant.
Coding change: c.425A>G on transcript NM_020347.4 (MANE Select); coding-DNA position 425, A replaced by G.
Protein change: p.Asn142Ser; replaces asparagine 142 with serine.
Molecular consequence: missense variant. On other transcripts: non-coding transcript variant (1).
Genome position (GRCh38, 1-based): chr3:45,833,081, T>C on the plus strand (A>G on the coding strand, the complement: LZTFL1 is on the minus strand). VCF-style: chr3-45833081-T-C. GRCh37 (hg19) VCF-style: chr3-45874573-T-C.
Other names: c.374A>G, p.Asn125Ser (NM_001276378.2, NM_001386451.1, NM_001405922.1 and 4 more transcripts); c.413A>G, p.Asn138Ser (NM_001276379.2, NM_001405921.1); c.425A>G, p.Asn142Ser (NM_001386452.1, NM_001405924.1); c.449A>G, p.Asn150Ser (NM_001405920.1, NM_001405925.1); short protein forms N150S, N138S, N142S, N125S.
Identifiers: ClinVar variation 1997074 (VCV001997074.4), dbSNP rs764687946, ClinGen allele CA352451494.

ClinVar aggregate classification (germline): Uncertain significance (1 of 4 stars; one submission).

Submission:

Labcorp Genetics (formerly Invitae), Labcorp
Classification: Uncertain significance. Last evaluated: 2024-10-15. Review status: criteria provided, single submitter. Criteria: Invitae Variant Classification Sherloc (09022015). Collection method: clinical testing. Allele origin: germline.
Comment: This sequence change replaces asparagine, which is neutral and polar, with serine, which is neutral and polar, at codon 142 of the LZTFL1 protein (p.Asn142Ser). This variant is not present in population databases (gnomAD no frequency). This variant has not been reported in the literature in individuals affected with LZTFL1-related conditions. ClinVar contains an entry for this variant (Variation ID: 1997074). Invitae Evidence Modeling of protein sequence and biophysical properties (such as structural, functional, and spatial information, amino acid conservation, physicochemical variation, residue mobility, and thermodynamic stability) indicates that this missense variant is not expected to disrupt LZTFL1 protein function with a negative predictive value of 80%. In summary, the available evidence is currently insufficient to determine the role of this variant in disease. Therefore, it has been classified as a Variant of Uncertain Significance.